The following is an entry in ClinVar:

ClinVar aggregate classification (germline): Uncertain significance (3 of 4 stars; one submission).

Conditions:
Open-angle glaucoma. Identifiers: MedGen C0017612, MONDO:0005338, HP:0012108.

Submission:

ClinGen Glaucoma Variant Curation Expert Panel
Classification: Uncertain significance for Open-angle glaucoma. Last evaluated: 2025-12-03. Review status: reviewed by expert panel. Criteria: ClinGen Glaucoma ACMG Specifications V2.0.0 Approved. Collection method: curation. Allele origin: germline. Inheritance: Autosomal dominant inheritance.
Comment: The c.781G>A variant in MYOC is a missense variant predicted to cause substitution of Glutamic Acid by Lysine at amino acid 261 (p.Glu261Lys). This variant was not found in any genetic ancestry group of gnomAD (v4.1.0), meeting the ≤ 0.0001 threshold set for PM2_Supporting in a genetic ancestry group of at least 10,000 alleles. The REVEL score = 0.628, which was neither above nor below the thresholds for PP3 (≥ 0.644) or BP4 (≤ 0.290), predicting a damaging or benign impact on MYOC function. There was no functional evidence predicting a damaging or benign impact of this variant on MYOC function. 3 probands with juvenile or primary open angle glaucoma (JOAG or POAG) have been reported carrying this variant (PMID: 10916185), which met PS4_Supporting (≥ 2 probands). In summary, this variant met the criteria to receive a score of 2 and to be classified as a variant of uncertain significance (uncertain significance classification range -1 to 5, adapted from PMID: 32720330) for juvenile open angle glaucoma based on the ACMG/AMP criteria met, as specified by the ClinGen Glaucoma VCEP (v2.0.0, 5 Dec 2024): PM2_Supporting, PS4_Supporting

NM_000261.2(MYOC):c.781G>A (p.Glu261Lys)

Gene: MYOC (myocilin; minus strand). Cytogenetic location: 1q24.3.
Variant type: single nucleotide variant.
Coding change: c.781G>A on transcript NM_000261.2 (MANE Select); coding-DNA position 781, G replaced by A.
Protein change: p.Glu261Lys; replaces glutamic acid 261 with lysine.
Molecular consequence: missense variant.
Genome position (GRCh38, 1-based): chr1:171,636,659, C>T on the plus strand (G>A on the coding strand, the complement: MYOC is on the minus strand). VCF-style: chr1-171636659-C-T. GRCh37 (hg19) VCF-style: chr1-171605799-C-T.
Other names: NM_000261.2:c.781G>A; short protein forms E261K.
Identifiers: ClinVar variation 1810366 (VCV001810366.2), dbSNP rs982896610, ClinGen allele CA32686185.